The following is an entry in ClinVar:

ClinVar aggregate classification (germline): Uncertain significance. Review status: criteria provided, multiple submitters, no conflicts (2 of 4 stars). 2 submissions from 2 submitters: Uncertain significance (2). Last evaluated 2025-01-17.

Submissions (2):

GeneDx
Classification: Uncertain significance. Last evaluated: 2025-01-17. Review status: criteria provided, single submitter. Criteria: GeneDx Variant Classification Process June 2021. Collection method: clinical testing. Allele origin: germline. Affected: yes.
Comment: Not observed at significant frequency in large population cohorts (gnomAD); Missense variant in a gene in which most reported pathogenic variants are truncating/loss of function; Has not been previously published as pathogenic or benign to our knowledge

Revvity Omics, Revvity
Classification: Uncertain significance. Last evaluated: 2023-07-11. Review status: criteria provided, single submitter. Criteria: ACMG Guidelines, 2015. Collection method: clinical testing. Allele origin: germline.

NM_001267550.2(TTN):c.31726C>T (p.Pro10576Ser)

Gene: TTN (titin; minus strand). Cytogenetic location: 2q31.2.
Variant type: single nucleotide variant.
Coding change: c.31726C>T on transcript NM_001267550.2 (MANE Select); coding-DNA position 31726, C replaced by T.
Protein change: p.Pro10576Ser; replaces proline 10576 with serine.
Molecular consequence: missense variant. On other transcripts: intron variant (3).
Genome position (GRCh38, 1-based): chr2:178,692,052, G>A on the plus strand (C>T on the coding strand, the complement: TTN is on the minus strand). VCF-style: chr2-178692052-G-A. GRCh37 (hg19) VCF-style: chr2-179556779-G-A.
Other names: c.30775C>T, p.Pro10259Ser (NM_001256850.1); c.27994C>T, p.Pro9332Ser (NM_133378.4); c.13282+46030C>T (NM_003319.4); c.13858+46030C>T (NM_133437.4); c.13657+46030C>T (NM_133432.3); short protein forms P10259S, P10576S, P9332S.
Identifiers: ClinVar variation 2690292 (VCV002690292.3), dbSNP rs2474505604, ClinGen allele CA349559075.